The following is an entry in ClinVar:

ClinVar aggregate classification (germline): Likely benign (0 of 4 stars; one submission).

Conditions:
CENPE-related disorder. Also called: CENPE-related condition.

Allele frequency attached by ClinVar (database versions not stated): ESP Exome Variant Server 0.00039; 1000 Genomes Project 0.00040; gnomAD 0.00048; 1000 Genomes Project 30x 0.00062; TOPMed 0.00069; ExAC 0.00080; gnomAD exomes 0.00083.
gnomAD v4.1: 1,260 of 1,590,768 alleles (0.079%); highest among the groups gnomAD compares: Admixed American, 0.13%; 1 homozygote.

Submission:

PreventionGenetics, part of Exact Sciences
Classification: Likely benign for CENPE-related condition. Last evaluated: 2022-09-15. Review status: no assertion criteria provided. Collection method: clinical testing. Allele origin: germline.
Comment: This variant is classified as likely benign based on ACMG/AMP sequence variant interpretation guidelines (Richards et al. 2015 PMID: 25741868, with internal and published modifications).

NM_001813.3(CENPE):c.2900G>A (p.Arg967Gln)

Gene: CENPE (centromere protein E; minus strand). Cytogenetic location: 4q24.
Variant type: single nucleotide variant.
Coding change: c.2900G>A on transcript NM_001813.3 (MANE Select); coding-DNA position 2900, G replaced by A.
Protein change: p.Arg967Gln; replaces arginine 967 with glutamine.
Molecular consequence: missense variant.
Genome position (GRCh38, 1-based): chr4:103,158,433, C>T on the plus strand (G>A on the coding strand, the complement: CENPE is on the minus strand). VCF-style: chr4-103158433-C-T. GRCh37 (hg19) VCF-style: chr4-104079590-C-T.
Other names: c.2825G>A, p.Arg942Gln (NM_001286734.2); short protein forms R942Q, R967Q.
Identifiers: ClinVar variation 3046096 (VCV003046096.2), dbSNP rs201196207, ClinGen allele CA3030182.